The following is an entry in ClinVar:

NM_013382.7(POMT2):c.924-10C>T

Gene: POMT2 (protein O-mannosyltransferase 2; minus strand). Cytogenetic location: 14q24.3.
Variant type: single nucleotide variant.
Coding change: c.924-10C>T on transcript NM_013382.7 (MANE Select); 10 bases into the intron before coding-DNA position 924, C replaced by T.
Molecular consequence: intron variant.
Genome position (GRCh38, 1-based): chr14:77,298,781, G>A on the plus strand (C>T on the coding strand, the complement: POMT2 is on the minus strand). VCF-style: chr14-77298781-G-A. GRCh37 (hg19) VCF-style: chr14-77765124-G-A.
Identifiers: ClinVar variation 95545 (VCV000095545.23), dbSNP rs142122657, ClinGen allele CA148610.

ClinVar aggregate classification (germline): Benign/Likely benign. Review status: criteria provided, multiple submitters, no conflicts (2 of 4 stars). 6 submissions from 6 submitters: Benign (3); Likely benign (3). Last evaluated 2026-01-28.

Conditions:
Muscular dystrophy-dystroglycanopathy (congenital with brain and eye anomalies), type A2. Also called: MUSCULAR DYSTROPHY-DYSTROGLYCANOPATHY (CONGENITAL WITH BRAIN AND EYE ANOMALIES), TYPE A, 2; WALKER-WARBURG SYNDROME OR MUSCLE-EYE-BRAIN DISEASE, POMT2-RELATED. Identifiers: Orphanet 588, Orphanet 899, MedGen C3150411, MONDO:0013154, OMIM 613150.
Muscular dystrophy-dystroglycanopathy (congenital with impaired intellectual development), type B, 2. Also called: Muscular dystrophy-dystroglycanopathy (congenital with intellectual disability), type B2; MUSCULAR DYSTROPHY, CONGENITAL, POMT2-RELATED. Identifiers: MedGen C3150416, MONDO:0013160, OMIM 613156.
Autosomal recessive limb-girdle muscular dystrophy type 2N. Also called: Muscular dystrophy-dystroglycanopathy (limb-girdle), type C, 2; MUSCULAR DYSTROPHY-DYSTROGLYCANOPATHY, LIMB-GIRDLE, POMT2-RELATED. Identifiers: Orphanet 206559, MedGen C3150418, MONDO:0013162, OMIM 613158.

Allele frequency attached by ClinVar (database versions not stated): gnomAD exomes 0.00072; ExAC 0.00107; gnomAD 0.00246 and 0.00258; ESP Exome Variant Server 0.00261; TOPMed 0.00288; 1000 Genomes Project 0.00399; 1000 Genomes Project 30x 0.00437.
gnomAD v4.1: 800 of 1,610,696 alleles (0.05%); highest among the groups gnomAD compares: African/African-American, 0.86%; 7 homozygotes.

Submissions (6):

Labcorp Genetics (formerly Invitae), Labcorp
Classification: Benign for Muscular dystrophy-dystroglycanopathy (congenital with impaired intellectual development), type B, 2; Muscular dystrophy-dystroglycanopathy (congenital with brain and eye anomalies), type A2; Autosomal recessive limb-girdle muscular dystrophy type 2N. Last evaluated: 2026-01-28. Review status: criteria provided, single submitter. Criteria: Invitae Variant Classification Sherloc (09022015). Collection method: clinical testing. Allele origin: germline.

Blueprint Genetics
Classification: Likely benign. Last evaluated: 2024-11-11. Review status: criteria provided, single submitter. Criteria: ACMG Guidelines, 2015. Collection method: clinical testing. Allele origin: germline.

Athena Diagnostics
Classification: Benign. Last evaluated: 2024-07-30. Review status: criteria provided, single submitter. Criteria: Athena Diagnostics Criteria. Collection method: clinical testing. Allele origin: unknown.

GeneDx
Classification: Likely benign. Last evaluated: 2017-12-26. Review status: criteria provided, single submitter. Criteria: GeneDx Variant Classification (06012015). Collection method: clinical testing. Allele origin: germline. Affected: yes.
Comment: This variant is considered likely benign or benign based on one or more of the following criteria: it is a conservative change, it occurs at a poorly conserved position in the protein, it is predicted to be benign by multiple in silico algorithms, and/or has population frequency not consistent with disease.

Genetic Services Laboratory, University of Chicago
Classification: Likely benign. Last evaluated: 2014-07-25. Review status: criteria provided, single submitter. Criteria: ACMG Guidelines, 2015. Collection method: clinical testing. Allele origin: germline.

Eurofins Ntd Llc (ga)
Classification: Benign. Last evaluated: 2012-10-17. Review status: criteria provided, single submitter. Criteria: EGL Classification Definitions 2015. Collection method: clinical testing. Allele origin: germline. Observed: 1 variant allele, 1 heterozygote.